The following is an entry in ClinVar:

ClinVar aggregate classification (germline): Uncertain significance (1 of 4 stars; one submission).

Conditions:
Hereditary cancer-predisposing syndrome. Also called: Tumor predisposition; Hereditary Cancer Syndrome; Neoplastic Syndromes, Hereditary; Hereditary neoplastic syndrome. Identifiers: Orphanet 140162, MedGen C0027672, MeSH D009386, MONDO:0015356.

gnomAD v4.1: 2 of 1,614,152 alleles (0.00012%); highest among the groups gnomAD compares: Admixed American, 0.0017%; no homozygotes.

Submission:

Ambry Genetics
Classification: Uncertain significance for Hereditary cancer-predisposing syndrome. Last evaluated: 2024-09-30. Review status: criteria provided, single submitter. Criteria: Ambry Variant Classification Scheme 2023. Collection method: clinical testing. Allele origin: germline.
Comment: The p.K90R variant (also known as c.269A>G), located in coding exon 1 of the GREM1 gene, results from an A to G substitution at nucleotide position 269. The lysine at codon 90 is replaced by arginine, an amino acid with highly similar properties. This amino acid position is conserved. In addition, this alteration is predicted to be tolerated by in silico analysis. Since supporting evidence is limited at this time, the clinical significance of this alteration remains unclear.

NM_013372.7(GREM1):c.269A>G (p.Lys90Arg)

Gene: GREM1 (gremlin 1, DAN family BMP antagonist; plus strand). Cytogenetic location: 15q13.3.
Variant type: single nucleotide variant.
Coding change: c.269A>G on transcript NM_013372.7 (MANE Select); coding-DNA position 269, A replaced by G.
Protein change: p.Lys90Arg; replaces lysine 90 with arginine.
Molecular consequence: missense variant.
Genome position (GRCh38, 1-based): chr15:32,730,959, A>G. VCF-style: chr15-32730959-A-G. GRCh37 (hg19) VCF-style: chr15-33023160-A-G.
Other names: c.59A>G, p.Lys20Arg (NM_001191322.2); c.146A>G, p.Lys49Arg (NM_001191323.2); c.269A>G, p.Lys90Arg (NM_001368719.1); short protein forms K20R, K90R, K49R.
Identifiers: ClinVar variation 1794876 (VCV001794876.3), dbSNP rs762087325, ClinGen allele CA391557559.